The following is an entry in ClinVar:

ClinVar aggregate classification (germline): Conflicting classifications of pathogenicity. Review status: criteria provided, conflicting classifications (1 of 4 stars). 9 submissions from 8 submitters: Uncertain significance (7); Likely benign (2). Last evaluated 2026-10-01.

Conditions:
Hereditary cancer-predisposing syndrome. Also called: Hereditary neoplastic syndrome; Neoplastic Syndromes, Hereditary; Hereditary Cancer Syndrome; Tumor predisposition. Identifiers: Orphanet 140162, MedGen C0027672, MeSH D009386, MONDO:0015356.
Lynch syndrome. Identifiers: Orphanet 144, MedGen C4552100, MONDO:0005835. Disease mechanism: loss of function.
Lynch syndrome 5 (LYNCH5). Also called: Colorectal cancer, hereditary nonpolyposis, type 5; Hereditary non-polyposis colorectal cancer, type 5. Identifiers: Orphanet 144, MedGen C1833477, MONDO:0013710, OMIM 614350. Disease mechanism: loss of function.
Hereditary nonpolyposis colorectal neoplasms. Identifiers: MedGen C0009405, MeSH D003123.
Endometrial carcinoma. Also called: Endometrial carcinoma, somatic. Identifiers: MedGen C0476089, MONDO:0002447, OMIM 608089, HP:0012114.

Allele frequency attached by ClinVar (database versions not stated): gnomAD 0.00001; gnomAD exomes 0.00001; TOPMed 0.00001.
gnomAD v4.1: 6 of 1,509,306 alleles (0.0004%); highest among the groups gnomAD compares: African/African-American, 0.0029%; no homozygotes.

Submissions (9):

St. Jude Molecular Pathology, St. Jude Children's Research Hospital
Classification: Uncertain significance for Lynch syndrome 5. Last evaluated: 2026-10-01. Review status: criteria provided, single submitter. Criteria: St. Jude Assertion Criteria 2020. Collection method: clinical testing. Allele origin: germline.
Comment: The MSH6 c.188C>G p.(Ser63Cys) missense change has a maximal subpopulation frequency of 0.002% in gnomAD v2.1.1. In silico tools predict a benign effect of this variant on protein function, but to our knowledge this prediction has not been confirmed by functional studies. This variant has been reported in an individual with pancreatic cancer and a family history of breast and ovarian cancer (PMID: 30883245) and in an individual with endometrial cancer (PMID: 27443514). In summary, the evidence currently available is insufficient to determine the clinical significance of this variant. It has therefore been classified as of uncertain significance.

Labcorp Genetics (formerly Invitae), Labcorp
Classification: Likely benign for Hereditary nonpolyposis colorectal neoplasms. Last evaluated: 2025-12-31. Review status: criteria provided, single submitter. Criteria: Invitae Variant Classification Sherloc (09022015). Collection method: clinical testing. Allele origin: germline.

Ambry Genetics
Classification: Uncertain significance for Hereditary cancer-predisposing syndrome. Last evaluated: 2025-11-03. Review status: criteria provided, single submitter. Criteria: Ambry Variant Classification Scheme 2023. Collection method: clinical testing. Allele origin: germline.
Comment: The c.188C>G (p.S63C) alteration is located in exon 1 (coding exon 1) of the MSH6 gene. This alteration results from a C to G substitution at nucleotide position 188, causing the serine (S) at amino acid position 63 to be replaced by a cysteine (C). Based on data from gnomAD, the G allele has an overall frequency of 0.001% (1/111686) total alleles studied. The highest observed frequency was 0.002% (1/45736) of European (non-Finnish) alleles. Based on insufficient or conflicting evidence, the clinical significance of this alteration remains unclear.

Women's Health and Genetics/Laboratory Corporation of America, LabCorp
Classification: Uncertain significance. Last evaluated: 2025-10-31. Review status: criteria provided, single submitter. Criteria: LabCorp Variant Classification Summary - May 2015. Collection method: clinical testing. Allele origin: germline.
Comment: Variant summary: MSH6 c.188C>G (p.Ser63Cys) results in a non-conservative amino acid change in the encoded protein sequence. Algorithms developed to predict the effect of missense changes on protein structure and function are either unavailable or do not agree on the potential impact of this missense change. The variant allele was found at a frequency of 9e-06 in 111686 control chromosomes (gnomAD). The available data on variant occurrences in the general population are insufficient to allow any conclusion about variant significance. c.188C>G has been observed in an individual affected with endometrial cancer (Ring_2016). This report does not provide unequivocal conclusions about association of the variant with Lynch Syndrome. To our knowledge, no experimental evidence demonstrating an impact on protein function has been reported. The following publication has been ascertained in the context of this evaluation (PMID: 27443514). ClinVar contains an entry for this variant (Variation ID: 410430). Based on the evidence outlined above, the variant was classified as uncertain significance.

All of Us Research Program, National Institutes of Health
Classification: Uncertain significance for Lynch syndrome. Last evaluated: 2024-09-27. Review status: criteria provided, single submitter. Criteria: ACMG Guidelines, 2015. Collection method: clinical testing. Allele origin: germline. Inheritance: Autosomal dominant inheritance. Observed: 7 variant alleles, 7 heterozygotes.
Comment: This missense variant replaces serine with cysteine at codon 63 of the MSH6 protein. Computational prediction suggests that this variant may not impact protein structure and function (internally defined REVEL score threshold <= 0.5, PMID: 27666373). To our knowledge, functional studies have not been reported for this variant. This variant has been reported in an individual affected with endometrial cancer (PMID: 27443514). This variant has also been reported in a high-risk individual for pancreatic cancer, who had no personal history of cancer but a family history of breast/ovarian cancer (PMID: 30883245). This variant has been identified in 1/111686 chromosomes in the general population by the Genome Aggregation Database (gnomAD). The available evidence is insufficient to determine the role of this variant in disease conclusively. Therefore, this variant is classified as a Variant of Uncertain Significance.

This study involves interpretation of variants in research participants for the purpose of population health screening. Participant phenotype was not available at the time of variant classification. Additional details can be found in publication PMID: 35346344, PMCID: PMC8962531

Color Diagnostics, LLC DBA Color Health
Classification: Uncertain significance for Hereditary cancer-predisposing syndrome. Last evaluated: 2024-07-02. Review status: criteria provided, single submitter. Criteria: ACMG Guidelines, 2015. Collection method: clinical testing. Allele origin: germline.
Comment: This missense variant replaces serine with cysteine at codon 63 of the MSH6 protein. Computational prediction suggests that this variant may not impact protein structure and function (internally defined REVEL score threshold <= 0.5, PMID: 27666373). To our knowledge, functional studies have not been reported for this variant. This variant has been reported in an individual affected with endometrial cancer (PMID: 27443514). This variant has also been reported in a high-risk individual for pancreatic cancer, who had no personal history of cancer but a family history of breast/ovarian cancer (PMID: 30883245). This variant has been identified in 1/111686 chromosomes in the general population by the Genome Aggregation Database (gnomAD). The available evidence is insufficient to determine the role of this variant in disease conclusively. Therefore, this variant is classified as a Variant of Uncertain Significance.

Myriad Genetics, Inc.
Classification: Likely benign for Lynch syndrome 5. Last evaluated: 2023-08-18. Review status: criteria provided, single submitter. Criteria: Myriad Autosomal Dominant, Autosomal Recessive and X-Linked Classification Criteria (2023). Collection method: clinical testing. Allele origin: unknown.
Comment: This variant is considered likely benign. This variant is strongly associated with less severe personal and family histories of cancer, typical for individuals without pathogenic variants in this gene [PMID: 27363726].

Baylor Genetics
Classification: Uncertain significance for Endometrial carcinoma. Last evaluated: 2023-07-24. Review status: criteria provided, single submitter. Criteria: ACMG Guidelines, 2015. Collection method: clinical testing. Allele origin: unknown.

St. Jude Molecular Pathology, St. Jude Children's Research Hospital
Classification: Uncertain significance for Lynch syndrome. Last evaluated: 2020-10-15. Review status: criteria provided, single submitter. Criteria: St. Jude Assertion Criteria 2020. Collection method: clinical testing. Allele origin: germline.
Comment: The MSH6 c.188C>G (p.Ser63Cys) missense change has a maximal subpopulation frequency of 0.0022% in gnomAD v2.1.1 (PM2_Supporting). In silico tools are not in agreement about a tolerated or damaging effect on the gene or protein product and functional studies have not been performed. This variant has been reported in an individual with pancreatic cancer and a family history of breast and ovarian cancer (PMID: 30883245) and in an individual with endometrial cancer (PMID: 27443514). In summary, this variant meets criteria to be classified as of uncertain significance based on the ACMG/AMP criteria: PM2_Supporting.

Literature cited by the submitters: PubMed 27443514 (cited by 3 submitters); PubMed 30883245 (cited by All of Us Research Program, National Institutes of Health and Color Diagnostics, LLC DBA Color Health); PubMed 27363726 (cited by Myriad Genetics, Inc.).

NM_000179.3(MSH6):c.188C>G (p.Ser63Cys)

Gene: MSH6 (mutS homolog 6; plus strand). Cytogenetic location: 2p16.3.
Variant type: single nucleotide variant.
Coding change: c.188C>G on transcript NM_000179.3 (MANE Select); coding-DNA position 188, C replaced by G.
Protein change: p.Ser63Cys; replaces serine 63 with cysteine.
Molecular consequence: missense variant. On other transcripts: 5 prime UTR variant (1).
Genome position (GRCh38, 1-based): chr2:47,783,421, C>G. VCF-style: chr2-47783421-C-G. GRCh37 (hg19) VCF-style: chr2-48010560-C-G.
Other names: c.188C>G, p.Ser63Cys (NM_001281492.2); c.-549C>G (NM_001281493.2); short protein forms S63C.
Identifiers: ClinVar variation 410430 (VCV000410430.30), dbSNP rs587779920, ClinGen allele CA16610836.